The following is an entry in ClinVar:

NM_170606.3(KMT2C):c.11966A>G (p.Gln3989Arg)

Gene: KMT2C (lysine methyltransferase 2C; minus strand). Cytogenetic location: 7q36.1.
Variant type: single nucleotide variant.
Coding change: c.11966A>G on transcript NM_170606.3 (MANE Select); coding-DNA position 11966, A replaced by G.
Protein change: p.Gln3989Arg; replaces glutamine 3989 with arginine.
Molecular consequence: missense variant.
Genome position (GRCh38, 1-based): chr7:152,154,440, T>C on the plus strand (A>G on the coding strand, the complement: KMT2C is on the minus strand). VCF-style: chr7-152154440-T-C. GRCh37 (hg19) VCF-style: chr7-151851525-T-C.
Other names: short protein forms Q3989R.
Identifiers: ClinVar variation 1804267 (VCV001804267.1), dbSNP rs2129098856, ClinGen allele CA370096927.
Genomic context (GRCh38, chr7:152,154,440, plus strand): 5'-CTCTCAGGAGAGGATGAGGGAACAAAACTGTCAGGAGTATCTCGATCACCACAGTGATCC[T>C]GTATCCTGAAAAAACATAAACACACACATCAAAGTCTGCAAATCCACCACTGGGGGCTTC-3'
Protein context (NP_733751.2, residues 3979-3999): PHNNQEELRI[Gln3989Arg]DHCGDRDTPD

ClinVar aggregate classification (germline): Uncertain significance (1 of 4 stars; one submission).

Submission:

GeneDx
Classification: Uncertain significance. Last evaluated: 2022-06-18. Review status: criteria provided, single submitter. Criteria: GeneDx Variant Classification Process June 2021. Collection method: clinical testing. Allele origin: germline. Affected: yes.
Comment: Not observed at significant frequency in large population cohorts (gnomAD); In silico analysis supports that this missense variant has a deleterious effect on protein structure/function; Has not been previously published as pathogenic or benign to our knowledge